The following is an entry in ClinVar:

NM_030928.4(CDT1):c.1436G>T (p.Cys479Phe)

Gene: CDT1 (chromatin licensing and DNA replication factor 1; plus strand). Cytogenetic location: 16q24.3.
Variant type: single nucleotide variant.
Coding change: c.1436G>T on transcript NM_030928.4 (MANE Select); coding-DNA position 1436, G replaced by T.
Protein change: p.Cys479Phe; replaces cysteine 479 with phenylalanine.
Molecular consequence: missense variant.
Genome position (GRCh38, 1-based): chr16:88,807,441, G>T. VCF-style: chr16-88807441-G-T. GRCh37 (hg19) VCF-style: chr16-88873849-G-T.
Other names: short protein forms C479F.
Identifiers: ClinVar variation 235389 (VCV000235389.3), dbSNP rs758810157, ClinGen allele CA10581298.
Genomic context (GRCh38, chr16:88,807,441, plus strand): 5'-GCGTGCTGCGGAGCGTCTTTGTGTCCGAACGCAAGCCTGCGCTCAGCATGGAGGTGGCCT[G>T]TGCCAGGATGGTGGGCAGCTGTTGTACTATCATGAGCCCTGGTACGTGCAGGGCGGGGTG-3'
Protein context (NP_112190.2, residues 469-489): RKPALSMEVA[Cys479Phe]ARMVGSCCTI

ClinVar aggregate classification (germline): Uncertain significance (1 of 4 stars; one submission).

Allele frequency attached by ClinVar (database versions not stated): gnomAD 0.00001.
gnomAD v4.1: 1 of 1,613,092 alleles (0.000062%); highest among the groups gnomAD compares: African/African-American, 0.0013%; no homozygotes.

Submission:

Center for Pediatric Genomic Medicine, Children's Mercy Hospital and Clinics
Classification: Uncertain significance. Last evaluated: 2015-12-21. Review status: criteria provided, single submitter. Criteria: ACMG Guidelines, 2015. Collection method: clinical testing. Allele origin: germline.
ClinVar note: Converted during submission from Uncertain Significance to Uncertain significance.